The following is an entry in ClinVar:

NM_001458.5(FLNC):c.6877C>T (p.Arg2293Cys)

Genes: FLNC (filamin C; plus strand), FLNC-AS1 (FLNC antisense RNA 1; minus strand). Cytogenetic location: 7q32.1.
Variant type: single nucleotide variant.
Coding change: c.6877C>T on transcript NM_001458.5 (MANE Select); coding-DNA position 6877, C replaced by T.
Protein change: p.Arg2293Cys; replaces arginine 2293 with cysteine.
Molecular consequence: missense variant.
Genome position (GRCh38, 1-based): chr7:128,854,562, C>T. VCF-style: chr7-128854562-C-T. GRCh37 (hg19) VCF-style: chr7-128494616-C-T.
Other names: c.6778C>T, p.Arg2260Cys (NM_001127487.2); short protein forms R2260C, R2293C.
Identifiers: ClinVar variation 1003336 (VCV001003336.13), dbSNP rs571239463, ClinGen allele CA166191801.

ClinVar aggregate classification (germline): Uncertain significance. Review status: criteria provided, multiple submitters, no conflicts (2 of 4 stars). 5 submissions from 5 submitters: Uncertain significance (3). 2 of the submissions do not count toward it. Last evaluated 2026-09-18.

Conditions:
Myofibrillar myopathy 5. Also called: Filaminopathy (type); FILAMINOPATHY, AUTOSOMAL DOMINANT. Identifiers: Orphanet 171445, MedGen C1836050, MONDO:0012289, OMIM 609524.
Hypertrophic cardiomyopathy 26. Also called: Cardiomyopathy, familial hypertrophic, 26. Identifiers: Orphanet 75249, MedGen C4310749, MONDO:0014883, OMIM 617047.
Distal myopathy with posterior leg and anterior hand involvement. Also called: WILLIAMS DISTAL MYOPATHY. Identifiers: Orphanet 63273, MedGen C3279722, MONDO:0013550, OMIM 614065.
FLNC-related disorder. Also called: FLNC-related disorders; FLNC-related condition.
Cardiovascular phenotype. Identifiers: MedGen CN230736.

Allele frequency attached by ClinVar (database versions not stated): TOPMed below 0.00001; gnomAD 0.00001; gnomAD exomes 0.00001 and 0.00002.
gnomAD v4.1: 10 of 1,608,394 alleles (0.00062%); highest among the groups gnomAD compares: South Asian, 0.0011%; no homozygotes.

Submissions (5):

PreventionGenetics, part of Exact Sciences
Classification: Uncertain significance for FLNC-related condition. Last evaluated: 2026-09-18. Review status: criteria provided, single submitter. Criteria: ACMG Guidelines, 2015. Collection method: clinical testing. Allele origin: germline.
Comment: The FLNC c.6877C>T variant is predicted to result in the amino acid substitution p.Arg2293Cys. This variant has been reported as uncertain in individuals with dilated cardiomyopathy (Verdonschot et al. 2020. PubMed ID: 32112656; Online Supplementary File 2, van Lint et al. 2019. PubMed ID: 30847666). This variant is reported in 0.0050% of alleles in individuals of European (Finnish) descent in gnomAD and is interpreted as uncertain in ClinVar (Variation ID: 1003336). At this time, the clinical significance of this variant is uncertain due to the absence of conclusive functional and genetic evidence.

Labcorp Genetics (formerly Invitae), Labcorp
Classification: Uncertain significance for Distal myopathy with posterior leg and anterior hand involvement; Myofibrillar myopathy 5; Hypertrophic cardiomyopathy 26. Last evaluated: 2025-11-21. Review status: criteria provided, single submitter. Criteria: Invitae Variant Classification Sherloc (09022015). Collection method: clinical testing. Allele origin: germline.
Comment: This sequence change replaces arginine, which is basic and polar, with cysteine, which is neutral and slightly polar, at codon 2293 of the FLNC protein (p.Arg2293Cys). The frequency data for this variant in the population databases is considered unreliable, as metrics indicate poor data quality at this position in the gnomAD database. This missense change has been observed in individual(s) with dilated cardiomyopathy (PMID: 32112656). ClinVar contains an entry for this variant (Variation ID: 1003336). Invitae Evidence Modeling of protein sequence and biophysical properties (such as structural, functional, and spatial information, amino acid conservation, physicochemical variation, residue mobility, and thermodynamic stability) indicates that this missense variant is not expected to disrupt FLNC protein function with a negative predictive value of 95%. In summary, the available evidence is currently insufficient to determine the role of this variant in disease. Therefore, it has been classified as a Variant of Uncertain Significance.

Ambry Genetics
Classification: Uncertain significance for Cardiovascular phenotype. Last evaluated: 2019-05-11. Review status: criteria provided, single submitter. Criteria: Ambry Variant Classification Scheme 2023. Collection method: clinical testing. Allele origin: germline.
Comment: The p.R2293C variant (also known as c.6877C>T), located in coding exon 41 of the FLNC gene, results from a C to T substitution at nucleotide position 6877. The arginine at codon 2293 is replaced by cysteine, an amino acid with highly dissimilar properties. This amino acid position is highly conserved in available vertebrate species. In addition, this alteration is predicted to be tolerated by in silico analysis. Since supporting evidence is limited at this time, the clinical significance of this alteration remains unclear.

Clinical Genetics, Academic Medical Center
Classification: Uncertain significance. Review status: no assertion criteria provided. Collection method: clinical testing. Allele origin: germline. Affected: yes. Study: VKGL Data-share Consensus. Not counted in ClinVar's aggregate classification.

Joint Genome Diagnostic Labs from Nijmegen and Maastricht, Radboudumc and MUMC+
Classification: Uncertain significance. Review status: no assertion criteria provided. Collection method: clinical testing. Allele origin: germline. Affected: yes. Study: VKGL Data-share Consensus. Not counted in ClinVar's aggregate classification.

Literature cited by the submitters: PubMed 32112656 (cited by Labcorp Genetics (formerly Invitae), Labcorp).